The following is an entry in ClinVar:

NM_000057.4(BLM):c.881A>G (p.Asp294Gly)

Gene: BLM (BLM RecQ like helicase; plus strand). Cytogenetic location: 15q26.1.
Variant type: single nucleotide variant.
Coding change: c.881A>G on transcript NM_000057.4 (MANE Select); coding-DNA position 881, A replaced by G.
Protein change: p.Asp294Gly; replaces aspartic acid 294 with glycine.
Molecular consequence: missense variant. On other transcripts: 5 prime UTR variant (1).
Genome position (GRCh38, 1-based): chr15:90,751,868, A>G. VCF-style: chr15-90751868-A-G. GRCh37 (hg19) VCF-style: chr15-91295098-A-G.
Other names: c.881A>G, p.Asp294Gly (NM_001287246.2, NM_001287247.2); c.-411A>G (NM_001287248.2); short protein forms D294G.
Identifiers: ClinVar variation 954228 (VCV000954228.10), dbSNP rs1895694767, ClinGen allele CA393841800.

ClinVar aggregate classification (germline): Uncertain significance (1 of 4 stars; one submission).

Conditions:
Bloom syndrome (BLM). Also called: Bloom-Torre-Machacek syndrome. Identifiers: Orphanet 125, MedGen C0005859, MONDO:0008876, OMIM 210900.

Submission:

Labcorp Genetics (formerly Invitae), Labcorp
Classification: Uncertain significance for Bloom syndrome. Last evaluated: 2022-01-27. Review status: criteria provided, single submitter. Criteria: Invitae Variant Classification Sherloc (09022015). Collection method: clinical testing. Allele origin: germline.
Comment: This sequence change replaces aspartic acid, which is acidic and polar, with glycine, which is neutral and non-polar, at codon 294 of the BLM protein (p.Asp294Gly). This variant is not present in population databases (gnomAD no frequency). This variant has not been reported in the literature in individuals affected with BLM-related conditions. ClinVar contains an entry for this variant (Variation ID: 954228). Algorithms developed to predict the effect of missense changes on protein structure and function are either unavailable or do not agree on the potential impact of this missense change (SIFT: "Tolerated"; PolyPhen-2: "Possibly Damaging"; Align-GVGD: "Class C0"). Algorithms developed to predict the effect of sequence changes on RNA splicing suggest that this variant may create or strengthen a splice site. In summary, the available evidence is currently insufficient to determine the role of this variant in disease. Therefore, it has been classified as a Variant of Uncertain Significance.